The following is an entry in ClinVar:

NM_004336.5(BUB1):c.2980A>G (p.Thr994Ala)

Gene: BUB1 (BUB1 mitotic checkpoint serine/threonine kinase; minus strand). Cytogenetic location: 2q13.
Variant type: single nucleotide variant.
Coding change: c.2980A>G on transcript NM_004336.5 (MANE Select); coding-DNA position 2980, A replaced by G.
Protein change: p.Thr994Ala; replaces threonine 994 with alanine.
Molecular consequence: missense variant.
Genome position (GRCh38, 1-based): chr2:110,639,824, T>C on the plus strand (A>G on the coding strand, the complement: BUB1 is on the minus strand). VCF-style: chr2-110639824-T-C. GRCh37 (hg19) VCF-style: chr2-111397401-T-C.
Other names: c.2920A>G, p.Thr974Ala (NM_001278616.2); c.2809A>G, p.Thr937Ala (NM_001278617.2); short protein forms T937A, T974A, T994A.
Identifiers: ClinVar variation 1798398 (VCV001798398.2), dbSNP rs2467967258, ClinGen allele CA348088851.
Genomic context (GRCh38, chr2:110,639,824, plus strand): 5'-TACACTCTCCTCCTTCATTTTTCACTTTCATGTAAGTGCCAAAGAGCATGCAATATACTG[T>C]TGCAGCAACCCCAAAGTAATCGATCTATGAAGAAGATAGAGGTATATATGACTTAAATAG-3'
Protein context (NP_004327.1, residues 984-1004): YQIDYFGVAA[Thr994Ala]VYCMLFGTYM

ClinVar aggregate classification (germline): Uncertain significance (1 of 4 stars; one submission).

Submission:

Ambry Genetics
Classification: Uncertain significance. Last evaluated: 2021-12-20. Review status: criteria provided, single submitter. Criteria: Ambry Variant Classification Scheme 2023. Collection method: clinical testing. Allele origin: germline.
Comment: The p.T994A variant (also known as c.2980A>G), located in coding exon 24 of the BUB1 gene, results from an A to G substitution at nucleotide position 2980. The threonine at codon 994 is replaced by alanine, an amino acid with similar properties. This amino acid position is conserved. In addition, the in silico prediction for this alteration is inconclusive. Since supporting evidence is limited at this time, the clinical significance of this alteration remains unclear.